The following is an entry in ClinVar:

ClinVar aggregate classification (germline): Uncertain significance (1 of 4 stars; one submission).

gnomAD v4.1: 18 of 1,578,958 alleles (0.0011%); highest among the groups gnomAD compares: Non-Finnish European, 0.0016%; no homozygotes.

Submission:

Labcorp Genetics (formerly Invitae), Labcorp
Classification: Uncertain significance. Last evaluated: 2021-07-27. Review status: criteria provided, single submitter. Criteria: Invitae Variant Classification Sherloc (09022015). Collection method: clinical testing. Allele origin: germline.
Comment: In summary, the available evidence is currently insufficient to determine the role of this variant in disease. Therefore, it has been classified as a Variant of Uncertain Significance. Nucleotide substitutions within the consensus splice site are a relatively common cause of aberrant splicing (PMID: 17576681, 9536098). Algorithms developed to predict the effect of sequence changes on RNA splicing suggest that this variant may disrupt the consensus splice site. Algorithms developed to predict the effect of missense changes on protein structure and function are either unavailable or do not agree on the potential impact of this missense change (SIFT: "Deleterious"; PolyPhen-2: "Probably Damaging"; Align-GVGD: "Class C0"). This variant has not been reported in the literature in individuals affected with C7-related conditions. This variant is not present in population databases (ExAC no frequency). This sequence change replaces glycine with arginine at codon 497 of the C7 protein (p.Gly497Arg). The glycine residue is highly conserved and there is a moderate physicochemical difference between glycine and arginine. This variant also falls at the last nucleotide of exon 11, which is part of the consensus splice site for this exon.

Literature cited by the submitters: PubMed 17576681; PubMed 9536098.

NM_000587.4(C7):c.1489G>C (p.Gly497Arg)

Gene: C7 (complement C7; plus strand). Cytogenetic location: 5p13.1.
Variant type: single nucleotide variant.
Coding change: c.1489G>C on transcript NM_000587.4 (MANE Select); coding-DNA position 1489, G replaced by C.
Protein change: p.Gly497Arg; replaces glycine 497 with arginine.
Molecular consequence: missense variant.
Genome position (GRCh38, 1-based): chr5:40,958,261, G>C. VCF-style: chr5-40958261-G-C. GRCh37 (hg19) VCF-style: chr5-40958363-G-C.
Other names: short protein forms G497R.
Identifiers: ClinVar variation 1370309 (VCV001370309.6), dbSNP rs989098811, ClinGen allele CA117222049.